The following is an entry in ClinVar:

ClinVar aggregate classification (germline): Pathogenic (1 of 4 stars; one submission).

Submission:

Labcorp Genetics (formerly Invitae), Labcorp
Classification: Pathogenic. Last evaluated: 2024-04-25. Review status: criteria provided, single submitter. Criteria: Invitae Variant Classification Sherloc (09022015). Collection method: clinical testing. Allele origin: germline.
Comment: This sequence change creates a premature translational stop signal (p.Asp1111Alafs*17) in the SPTB gene. It is expected to result in an absent or disrupted protein product. Loss-of-function variants in SPTB are known to be pathogenic (PMID: 1391962, 1498324, 8844207, 26830532, 27292444). This variant is not present in population databases (gnomAD no frequency). This variant has not been reported in the literature in individuals affected with SPTB-related conditions. For these reasons, this variant has been classified as Pathogenic.

Literature cited by the submitters: PubMed 1391962; PubMed 1498324; PubMed 8844207; PubMed 26830532; PubMed 27292444.

NM_001355436.2(SPTB):c.3332del (p.Asp1111fs)

Gene: SPTB (spectrin beta, erythrocytic; minus strand). Cytogenetic location: 14q23.3.
Variant type: Deletion.
Coding change: c.3332del on transcript NM_001355436.2 (MANE Select); coding-DNA position 3332, one base deleted (A; older notation c.3332delA).
Protein change: p.Asp1111fs; shifts the reading frame from aspartic acid 1111.
Molecular consequence: frameshift variant.
Genome position (GRCh38, 1-based): chr14:64,786,633, T deleted on the plus strand (A on the coding strand, the reverse complement: SPTB is on the minus strand). VCF-style (leftmost placement, unchanged base first): chr14-64786632-GT-G. GRCh37 (hg19) VCF-style: chr14-65253350-GT-G.
Other names: c.3332del, p.Asp1111fs (NM_001024858.4, NM_001355437.2); short protein forms D1111fs.
Identifiers: ClinVar variation 3651197 (VCV003651197.2).